The following is an entry in ClinVar:

NM_001697.3(ATP5PO):c.198+4A>G

Gene: ATP5PO (ATP synthase peripheral stalk subunit OSCP; minus strand). Cytogenetic location: 21q22.11.
Variant type: single nucleotide variant.
Coding change: c.198+4A>G on transcript NM_001697.3 (MANE Select); 4 bases into the intron after coding-DNA position 198, A replaced by G.
Molecular consequence: intron variant.
Genome position (GRCh38, 1-based): chr21:33,912,285, T>C on the plus strand (A>G on the coding strand, the complement: ATP5PO is on the minus strand). VCF-style: chr21-33912285-T-C. GRCh37 (hg19) VCF-style: chr21-35284589-T-C.
Identifiers: ClinVar variation 4879494 (VCV004879494.1).

ClinVar aggregate classification (germline): Uncertain significance (1 of 4 stars; one submission).

Conditions:
Mitochondrial complex V (ATP synthase) deficiency, nuclear type 7 (MC5DN7). Identifiers: MedGen C5830482, MONDO:0957255, OMIM 620359.

Submission:

Clinical Genomics Laboratory, Washington University in St. Louis
Classification: Uncertain significance for Mitochondrial complex V (ATP synthase) deficiency, nuclear type 7. Last evaluated: 2026-02-14. Review status: criteria provided, single submitter. Criteria: ACMG Guidelines, 2015. Collection method: clinical testing. Allele origin: germline.
Comment: The ATP5PO c.198+4A>G variant, to our knowledge, has not been reported in the medical literature and is absent from the general population (gnomAD v4.1.0), indicating it is not a common variant. Computational predictors indicate that this variant would alter splicing, evidence that correlates to an impact of this variant ATP5PO function. Due to limited information, and based on ACMG/AMP guidelines for variant interpretation (Richards S et al., PMID: 25741868), the clinical significance of this variant is uncertain at this time.